The following is an entry in ClinVar:

ClinVar aggregate classification (germline): Uncertain significance. Review status: criteria provided, multiple submitters, no conflicts (2 of 4 stars). 2 submissions from 2 submitters: Uncertain significance (2). Last evaluated 2022-04-19.

Conditions:
Hereditary cancer-predisposing syndrome. Also called: Neoplastic Syndromes, Hereditary; Tumor predisposition; Hereditary Cancer Syndrome; Hereditary neoplastic syndrome. Identifiers: Orphanet 140162, MedGen C0027672, MeSH D009386, MONDO:0015356.
Breast-ovarian cancer, familial, susceptibility to, 4. Identifiers: Orphanet 145, MedGen C3280345, MONDO:0013669, OMIM 614291.

Submissions (2):

Labcorp Genetics (formerly Invitae), Labcorp
Classification: Uncertain significance for Breast-ovarian cancer, familial, susceptibility to, 4. Last evaluated: 2022-04-19. Review status: criteria provided, single submitter. Criteria: Invitae Variant Classification Sherloc (09022015). Collection method: clinical testing. Allele origin: germline.
Comment: In summary, the available evidence is currently insufficient to determine the role of this variant in disease. Therefore, it has been classified as a Variant of Uncertain Significance. Algorithms developed to predict the effect of missense changes on protein structure and function (SIFT, PolyPhen-2, Align-GVGD) all suggest that this variant is likely to be tolerated. This variant has not been reported in the literature in individuals affected with RAD51D-related conditions. This variant is not present in population databases (gnomAD no frequency). This sequence change replaces serine, which is neutral and polar, with proline, which is neutral and non-polar, at codon 62 of the RAD51D protein (p.Ser62Pro).

Ambry Genetics
Classification: Uncertain significance for Hereditary cancer-predisposing syndrome. Last evaluated: 2021-11-04. Review status: criteria provided, single submitter. Criteria: Ambry Variant Classification Scheme 2023. Collection method: clinical testing. Allele origin: germline.
Comment: The p.S62P variant (also known as c.184T>C), located in coding exon 3 of the RAD51D gene, results from a T to C substitution at nucleotide position 184. The serine at codon 62 is replaced by proline, an amino acid with similar properties. This amino acid position is well conserved in available vertebrate species. In addition, this alteration is predicted to be tolerated by in silico analysis. Since supporting evidence is limited at this time, the clinical significance of this alteration remains unclear.

NM_002878.4(RAD51D):c.184T>C (p.Ser62Pro)

Genes: RAD51L3-RFFL (RAD51L3-RFFL readthrough; minus strand), RAD51D (RAD51 paralog D; minus strand). Cytogenetic location: 17q12.
Variant type: single nucleotide variant.
Coding change: c.184T>C on transcript NM_002878.4 (MANE Select); coding-DNA position 184, T replaced by C.
Protein change: p.Ser62Pro; replaces serine 62 with proline.
Molecular consequence: missense variant. On other transcripts: intron variant (2).
Genome position (GRCh38, 1-based): chr17:35,118,580, A>G on the plus strand (T>C on the coding strand, the complement: RAD51D is on the minus strand). VCF-style: chr17-35118580-A-G. GRCh37 (hg19) VCF-style: chr17-33445599-A-G.
Other names: c.144+531T>C (NM_133629.3, NM_001142571.2); short protein forms S62P.
Identifiers: ClinVar variation 1781304 (VCV001781304.7), dbSNP rs2142474470, ClinGen allele CA399091462.